The following is an entry in ClinVar:

NM_000321.3(RB1):c.2419dup (p.Ser807fs)

Gene: RB1 (RB transcriptional corepressor 1; plus strand). Cytogenetic location: 13q14.2.
Variant type: Duplication.
Coding change: c.2419dup on transcript NM_000321.3 (MANE Select); coding-DNA position 2419, one base duplicated (T; older notation c.2419dupT).
Protein change: p.Ser807fs; shifts the reading frame from serine 807.
Molecular consequence: frameshift variant.
Genome position (GRCh38, 1-based): chr13:48,465,298, T duplicated; the last of 3 consecutive T bases (chr13:48,465,296-48,465,298); duplicating any one gives the same sequence. VCF-style (leftmost placement, unchanged base first): chr13-48465295-A-AT. GRCh37 (hg19) VCF-style: chr13-49039431-A-AT.
Other names: c.2419dup, p.Ser807fs (NM_001407165.1); short protein forms S807fs.
Identifiers: ClinVar variation 4759312 (VCV004759312.1).

ClinVar aggregate classification (germline): Pathogenic (1 of 4 stars; one submission).

Conditions:
Hereditary retinoblastoma. Identifiers: Orphanet 357027, MedGen C0751483, MONDO:0018160.

Submission:

Institute for Genomic Medicine (IGM) Clinical Laboratory, Nationwide Children's Hospital
Classification: Pathogenic for Hereditary retinoblastoma. Last evaluated: 2024-01-31. Review status: criteria provided, single submitter. Criteria: ACMG Guidelines, 2015. Collection method: clinical testing. Allele origin: germline.
Comment: This variant is predicted to result in loss of function through nonsense-mediated decay of the encoded transcript or premature truncation of the encoded protein in a gene in which loss of function is a known mechanism of disease (ACMG/AMP: PVS1; PMIDs:8651278, 15605413, 22963398). This variant is absent from or present at an exceedingly low frequency in gnomAD, a large-scale control population database (ACMG/AMP: PM2). This variant is in a gene that is highly specific for a disease with a single genetic etiology (ACMG/AMP: PP4).

Literature cited by the submitters: PubMed 8651278; PubMed 15605413; PubMed 22963398.